The following is an entry in ClinVar:

NM_000702.4(ATP1A2):c.1326+2T>C

Gene: ATP1A2 (ATPase Na+/K+ transporting subunit alpha 2; plus strand). Cytogenetic location: 1q23.2.
Variant type: single nucleotide variant.
Coding change: c.1326+2T>C on transcript NM_000702.4 (MANE Select); the canonical splice donor site of the intron after coding-DNA position 1326, T replaced by C.
Molecular consequence: splice donor variant.
Genome position (GRCh38, 1-based): chr1:160,129,091, T>C. VCF-style: chr1-160129091-T-C. GRCh37 (hg19) VCF-style: chr1-160098881-T-C.
Identifiers: ClinVar variation 4807784 (VCV004807784.1).

ClinVar aggregate classification (germline): Likely pathogenic (1 of 4 stars; one submission).

Conditions:
Familial hemiplegic migraine. Identifiers: MedGen C0338484, MONDO:0000700.

Submission:

Labcorp Genetics (formerly Invitae), Labcorp
Classification: Likely pathogenic for Familial hemiplegic migraine. Last evaluated: 2025-08-02. Review status: criteria provided, single submitter. Criteria: Invitae Variant Classification Sherloc (09022015). Collection method: clinical testing. Allele origin: germline.
Comment: This sequence change affects a donor splice site in intron 10 of the ATP1A2 gene. It is expected to disrupt RNA splicing. Variants that disrupt the donor or acceptor splice site typically lead to a loss of protein function (PMID: 16199547), and loss-of-function variants in ATP1A2 are known to be pathogenic (PMID: 30690204). This variant is not present in population databases (gnomAD no frequency). This variant has not been reported in the literature in individuals affected with ATP1A2-related conditions. Algorithms developed to predict the effect of sequence changes on RNA splicing suggest that this variant may disrupt the consensus splice site. In summary, the currently available evidence indicates that the variant is pathogenic, but additional data are needed to prove that conclusively. Therefore, this variant has been classified as Likely Pathogenic.

Literature cited by the submitters: PubMed 16199547; PubMed 30690204.